The following is an entry in ClinVar:

NM_033087.4(ALG2):c.314C>G (p.Ala105Gly)

Gene: ALG2 (ALG2 alpha-1,3/1,6-mannosyltransferase; minus strand). Cytogenetic location: 9q22.33.
Variant type: single nucleotide variant.
Coding change: c.314C>G on transcript NM_033087.4 (MANE Select); coding-DNA position 314, C replaced by G.
Protein change: p.Ala105Gly; replaces alanine 105 with glycine.
Molecular consequence: missense variant. On other transcripts: non-coding transcript variant (1).
Genome position (GRCh38, 1-based): chr9:99,221,581, G>C on the plus strand (C>G on the coding strand, the complement: ALG2 is on the minus strand). VCF-style: chr9-99221581-G-C. GRCh37 (hg19) VCF-style: chr9-101983863-G-C.
Other names: short protein forms A105G.
Identifiers: ClinVar variation 654404 (VCV000654404.8), dbSNP rs747781559, ClinGen allele CA374231262.
Genomic context (GRCh38, chr9:99,221,581, plus strand): 5'-CGCAGCCGGCCCCGCGGCCGCCTCACCTGGTCGCACACTACCACGTCGAACTCCTCGTCG[G>C]CGAGGAACAGCACGTAGAGCGCCAGGAAAACCATGCGCACGTAGGCGCAGACGGCGGCGC-3'
Protein context (NP_149078.1, residues 95-115): VFLALYVLFL[Ala105Gly]DEEFDVVVCD

ClinVar aggregate classification (germline): Uncertain significance (1 of 4 stars; one submission).

Conditions:
Congenital disorder of glycosylation, type Ii. Also called: CDG Ii; ALG2-congenital disorder of glycosylation; ALG2-CDG. Identifiers: Orphanet 79326, MedGen C1842836, MONDO:0011933, OMIM 607906.
Congenital myasthenic syndrome 14. Also called: Myasthenic syndrome, congenital, 14, with tubular aggregates. Identifiers: Orphanet 353327, Orphanet 590, MedGen C4015597, MONDO:0014543, OMIM 616228.

gnomAD v4.1: 1 of 1,544,552 alleles (0.000065%); highest among the groups gnomAD compares: African/African-American, 0.0014%; no homozygotes.

Submission:

Labcorp Genetics (formerly Invitae), Labcorp
Classification: Uncertain significance for Congenital disorder of glycosylation, type Ii; Congenital myasthenic syndrome 14. Last evaluated: 2018-07-20. Review status: criteria provided, single submitter. Criteria: Invitae Variant Classification Sherloc (09022015). Collection method: clinical testing. Allele origin: germline.
Comment: This sequence change replaces alanine with glycine at codon 105 of the ALG2 protein (p.Ala105Gly). The alanine residue is weakly conserved and there is a small physicochemical difference between alanine and glycine. While this variant is not present in population databases, the frequency information is unreliable, as metrics indicate poor data quality at this position in the ExAC database. This variant has not been reported in the literature in individuals with ALG2-related disease. Algorithms developed to predict the effect of missense changes on protein structure and function output the following: SIFT: "Tolerated"; PolyPhen-2: "Benign"; Align-GVGD: "Class C0". The glycine amino acid residue is found in multiple mammalian species, suggesting that this missense change does not adversely affect protein function. These predictions have not been confirmed by published functional studies and their clinical significance is uncertain. In summary, the available evidence is currently insufficient to determine the role of this variant in disease. Therefore, it has been classified as a Variant of Uncertain Significance.